The following is an entry in ClinVar:

ClinVar aggregate classification (germline): Uncertain significance. Review status: criteria provided, multiple submitters, no conflicts (2 of 4 stars). 2 submissions from 2 submitters: Uncertain significance (2). Last evaluated 2026-05-08.

Conditions:
Hereditary cancer-predisposing syndrome. Also called: Neoplastic Syndromes, Hereditary; Tumor predisposition; Hereditary Cancer Syndrome; Hereditary neoplastic syndrome. Identifiers: Orphanet 140162, MedGen C0027672, MeSH D009386, MONDO:0015356.
Birt-Hogg-Dube syndrome. Also called: Birt Hogg Dubé syndrome. Identifiers: Orphanet 122, MedGen C0346010, MONDO:0800444.

Submissions (2):

Ambry Genetics
Classification: Uncertain significance for Hereditary cancer-predisposing syndrome. Last evaluated: 2026-05-08. Review status: criteria provided, single submitter. Criteria: Ambry Variant Classification Scheme 2023. Collection method: clinical testing. Allele origin: germline.
Comment: The p.S526N variant (also known as c.1577G>A), located in coding exon 11 of the FLCN gene, results from a G to A substitution at nucleotide position 1577. The serine at codon 526 is replaced by asparagine, an amino acid with highly similar properties. This amino acid position is not well conserved in available vertebrate species. In addition, this alteration is predicted to be tolerated by in silico analysis. Based on the available evidence, the clinical significance of this variant remains unclear.

Labcorp Genetics (formerly Invitae), Labcorp
Classification: Uncertain significance for Birt-Hogg-Dube syndrome. Last evaluated: 2021-10-24. Review status: criteria provided, single submitter. Criteria: Invitae Variant Classification Sherloc (09022015). Collection method: clinical testing. Allele origin: germline.
Comment: This sequence change replaces serine, which is neutral and polar, with asparagine, which is neutral and polar, at codon 526 of the FLCN protein (p.Ser526Asn). This variant is not present in population databases (gnomAD no frequency). In summary, the available evidence is currently insufficient to determine the role of this variant in disease. Therefore, it has been classified as a Variant of Uncertain Significance. Algorithms developed to predict the effect of missense changes on protein structure and function (SIFT, PolyPhen-2, Align-GVGD) all suggest that this variant is likely to be tolerated. This variant has not been reported in the literature in individuals affected with FLCN-related conditions.

NM_144997.7(FLCN):c.1577G>A (p.Ser526Asn)

Gene: FLCN (folliculin; minus strand). Cytogenetic location: 17p11.2.
Variant type: single nucleotide variant.
Coding change: c.1577G>A on transcript NM_144997.7 (MANE Select); coding-DNA position 1577, G replaced by A.
Protein change: p.Ser526Asn; replaces serine 526 with asparagine.
Molecular consequence: missense variant.
Genome position (GRCh38, 1-based): chr17:17,213,818, C>T on the plus strand (G>A on the coding strand, the complement: FLCN is on the minus strand). VCF-style: chr17-17213818-C-T. GRCh37 (hg19) VCF-style: chr17-17117132-C-T.
Other names: c.1631G>A, p.Ser544Asn (NM_001353229.2); c.1577G>A, p.Ser526Asn (NM_001353230.2, NM_001353231.2); c.1577G>A (NM_144997.5); short protein forms S526N, S544N.
Identifiers: ClinVar variation 1389090 (VCV001389090.7), dbSNP rs2144812029, ClinGen allele CA398530451.